The following is an entry in ClinVar:

NM_198428.3(BBS9):c.2559_2562del (p.Glu853fs)

Gene: BBS9 (Bardet-Biedl syndrome 9; plus strand). Cytogenetic location: 7p14.3.
Variant type: Microsatellite.
Coding change: c.2559_2562del on transcript NM_198428.3 (MANE Select); coding-DNA positions 2559 to 2562, 4 bases deleted (AAGA; older notation c.2559_2562delAAGA).
Protein change: p.Glu853fs; shifts the reading frame from glutamic acid 853.
Molecular consequence: frameshift variant. On other transcripts: non-coding transcript variant (3), intron variant (1).
Genome position (GRCh38, 1-based): chr7:33,604,902-33,604,905, AAGA deleted; deleting any 4 consecutive bases within chr7:33,604,898-33,604,905 gives the same sequence; the c. name uses the placement nearest the transcript's 3' end. VCF-style (leftmost placement, unchanged base first): chr7-33604897-GAAGA-G. GRCh37 (hg19) VCF-style: chr7-33644509-GAAGA-G.
Other names: c.2454_2457del, p.Glu818fs (NM_001033604.2); c.2544_2547del, p.Glu848fs (NM_001033605.2); c.2559_2562del, p.Glu853fs (NM_001348036.1, NM_001348041.4, NM_001348043.3); c.2010_2013del, p.Glu670fs (NM_001348037.3); c.2286_2289del, p.Glu762fs (NM_001348038.3); c.2181_2184del, p.Glu727fs (NM_001348039.3); c.2439_2442del, p.Glu813fs (NM_001348040.3, NM_014451.4); c.2424_2427del, p.Glu808fs (NM_001348042.3); and 4 more; short protein forms E727fs, E731fs, E762fs, E808fs, E818fs, E853fs, E670fs, E696fs.
Identifiers: ClinVar variation 2814736 (VCV002814736.3), dbSNP rs2538378769, ClinGen allele CA2739266377.
Genomic context (GRCh38, chr7:33,604,897, plus strand): 5'-TAAAATATTGTTTGTATTTTTCAACTAGGTGGTTGTACTACAATCCCAGAGTCAGACCTA[GAAGA>G]AAGATCAGTAGAACAAGACTCTACAGAACTGTTTACCAACCACAGACATCTCACTGCAGA-3'

ClinVar aggregate classification (germline): Pathogenic (1 of 4 stars; one submission).

Conditions:
Bardet-Biedl syndrome (BBS). Identifiers: Orphanet 110, MedGen C0752166, MONDO:0015229.

Submission:

Labcorp Genetics (formerly Invitae), Labcorp
Classification: Pathogenic for Bardet-Biedl syndrome. Last evaluated: 2022-11-16. Review status: criteria provided, single submitter. Criteria: Invitae Variant Classification Sherloc (09022015). Collection method: clinical testing. Allele origin: germline.
Comment: This sequence change creates a premature translational stop signal (p.Glu853Aspfs*3) in the BBS9 gene. It is expected to result in an absent or disrupted protein product. Loss-of-function variants in BBS9 are known to be pathogenic (PMID: 16380913, 20177705). This variant is not present in population databases (gnomAD no frequency). For these reasons, this variant has been classified as Pathogenic. This variant has not been reported in the literature in individuals affected with BBS9-related conditions.

Literature cited by the submitters: PubMed 16380913; PubMed 20177705.